The following is an entry in ClinVar:

ClinVar aggregate classification (germline): Conflicting classifications of pathogenicity. Review status: criteria provided, conflicting classifications (1 of 4 stars). 2 submissions from 2 submitters: Uncertain significance (1); Likely benign (1). Last evaluated 2024-11-16.

Allele frequency attached by ClinVar (database versions not stated): gnomAD 0.00001; gnomAD exomes 0.00001 and 0.00003; TOPMed 0.00002; ExAC 0.00003.
gnomAD v4.1: 10 of 1,613,968 alleles (0.00062%); highest among the groups gnomAD compares: East Asian, 0.022%; no homozygotes.

Submissions (2):

Labcorp Genetics (formerly Invitae), Labcorp
Classification: Likely benign. Last evaluated: 2024-11-16. Review status: criteria provided, single submitter. Criteria: Invitae Variant Classification Sherloc (09022015). Collection method: clinical testing. Allele origin: germline.

Women's Health and Genetics/Laboratory Corporation of America, LabCorp
Classification: Uncertain significance. Last evaluated: 2022-07-01. Review status: criteria provided, single submitter. Criteria: LabCorp Variant Classification Summary - May 2015. Collection method: clinical testing. Allele origin: germline.
Comment: Variant summary: NBAS c.6124A>G (p.Met2042Val) results in a conservative amino acid change in the encoded protein sequence. Five of five in-silico tools predict a benign effect of the variant on protein function. The variant allele was found at a frequency of 2.8e-05 in 251346 control chromosomes (gnomAD). The available data on variant occurrences in the general population are insufficient to allow any conclusion about variant significance. c.6124A>G has been reported in the literature in individuals affected with liver dysfunction (Fang_2021). The report does not provide unequivocal conclusions about association of the variant with Liver Failure Acute Infantile, Type 2. To our knowledge, no experimental evidence demonstrating an impact on protein function has been reported. One ClinVar submitter (evaluation after 2014) cites the variant as uncertain significance. Based on the evidence outlined above, the variant was classified as uncertain significance.

Literature cited by the submitters: PubMed 33763395 (cited by Women's Health and Genetics/Laboratory Corporation of America, LabCorp).

NM_015909.4(NBAS):c.6124A>G (p.Met2042Val)

Gene: NBAS (NBAS subunit of NRZ tethering complex; minus strand). Cytogenetic location: 2p24.3.
Variant type: single nucleotide variant.
Coding change: c.6124A>G on transcript NM_015909.4 (MANE Select); coding-DNA position 6124, A replaced by G.
Protein change: p.Met2042Val; replaces methionine 2042 with valine.
Molecular consequence: missense variant. On other transcripts: non-coding transcript variant (1).
Genome position (GRCh38, 1-based): chr2:15,234,567, T>C on the plus strand (A>G on the coding strand, the complement: NBAS is on the minus strand). VCF-style: chr2-15234567-T-C. GRCh37 (hg19) VCF-style: chr2-15374691-T-C.
Other names: short protein forms M2042V.
Identifiers: ClinVar variation 1357910 (VCV001357910.9), dbSNP rs745940158, ClinGen allele CA1535113.
Genomic context (GRCh38, chr2:15,234,567, plus strand): 5'-CACCCCAGTTTTTCCACAATGACCACTTTCTAGCTTACCTCAATGCAGAAATTATTTTCA[T>C]GATTGCACTCTGCACTATATCCTTGGGTGAGATGTCAAGAGGGCCAACTGCCACCTCTAG-3'
Protein context (NP_056993.2, residues 2032-2052): SPKDIVQSAI[Met2042Val]KIISALSGGS